The following is an entry in ClinVar:

NM_018489.3(ASH1L):c.17C>G (p.Thr6Ser)

Gene: ASH1L (ASH1 like histone lysine methyltransferase; minus strand). Cytogenetic location: 1q22.
Variant type: single nucleotide variant.
Coding change: c.17C>G on transcript NM_018489.3 (MANE Select); coding-DNA position 17, C replaced by G.
Protein change: p.Thr6Ser; replaces threonine 6 with serine.
Molecular consequence: missense variant.
Genome position (GRCh38, 1-based): chr1:155,521,503, G>C on the plus strand (C>G on the coding strand, the complement: ASH1L is on the minus strand). VCF-style: chr1-155521503-G-C. GRCh37 (hg19) VCF-style: chr1-155491294-G-C.
Other names: c.17C>G, p.Thr6Ser (NM_001366177.2); short protein forms T6S.
Identifiers: ClinVar variation 4987406 (VCV004987406.1).
Genomic context (GRCh38, chr1:155,521,503, plus strand): 5'-ATGGCAGAAGGACTCTTTCTTGAAAAACCTTCGGAATCAGAACCCAATCCTAACATAGCA[G>C]TATTTCTAGGGTCCATCACAAGCGTATGTTATTGCCAAGGAATCTTATGAAAATTTTACA-3'
Protein context (NP_060959.2, residues 1-16): MDPRN[Thr6Ser]AMLGLGSDSE

ClinVar aggregate classification (germline): Uncertain significance (1 of 4 stars; one submission).

Conditions:
ASH1L-related disorder. Also called: ASH1L-related condition.

gnomAD v4.1: 29 of 1,612,312 alleles (0.0018%); highest among the groups gnomAD compares: Non-Finnish European, 0.0023%; no homozygotes.

Submission:

PreventionGenetics, part of Exact Sciences
Classification: Uncertain significance for ASH1L-related condition. Last evaluated: 2025-11-10. Review status: criteria provided, single submitter. Criteria: ACMG Guidelines, 2015. Collection method: clinical testing. Allele origin: germline.
Comment: The ASH1L c.17C>G variant is predicted to result in the amino acid substitution p.Thr6Ser. To our knowledge, this variant has not been reported in the literature. This variant is reported in 0.0018% of alleles in individuals of European (Non-Finnish) descent in gnomAD. Although we suspect that this variant may be benign, at this time, the clinical significance of this variant is uncertain due to the absence of conclusive functional and genetic evidence.